The following is an entry in ClinVar:

ClinVar aggregate classification (germline): Likely benign. Review status: criteria provided, multiple submitters, no conflicts (2 of 4 stars). 2 submissions from 2 submitters: Likely benign (2). Last evaluated 2024-11-07.

Conditions:
Neonatal-onset encephalopathy with rigidity and seizures. Also called: Lethal neonatal spasticity-epileptic encephalopathy syndrome. Identifiers: Orphanet 435845, MedGen C3281029, MONDO:0013784, OMIM 614498.

Submissions (2):

Labcorp Genetics (formerly Invitae), Labcorp
Classification: Likely benign for Neonatal-onset encephalopathy with rigidity and seizures. Last evaluated: 2024-11-07. Review status: criteria provided, single submitter. Criteria: Invitae Variant Classification Sherloc (09022015). Collection method: clinical testing. Allele origin: germline.

CeGaT Center for Human Genetics Tuebingen
Classification: Likely benign. Last evaluated: 2024-11-01. Review status: criteria provided, single submitter. Criteria: CeGaT Center For Human Genetics Tuebingen Variant Classification Criteria Version 2. Collection method: clinical testing. Allele origin: germline. Affected: yes. Observed: 1 variant allele.
Comment: BRAT1: PM2:Supporting, BP4, BP7

NM_152743.4(BRAT1):c.15C>T (p.Cys5=)

Gene: BRAT1 (BRCA1 associated ATM activator 1; minus strand). Cytogenetic location: 7p22.3.
Variant type: single nucleotide variant.
Coding change: c.15C>T on transcript NM_152743.4 (MANE Select); coding-DNA position 15, C replaced by T.
Protein change: p.Cys5=; no amino-acid change (cysteine 5 retained).
Molecular consequence: synonymous variant. On other transcripts: 5 prime UTR variant (1), non-coding transcript variant (1).
Genome position (GRCh38, 1-based): chr7:2,554,417, G>A on the plus strand (C>T on the coding strand, the complement: BRAT1 is on the minus strand). VCF-style: chr7-2554417-G-A. GRCh37 (hg19) VCF-style: chr7-2594051-G-A.
Other names: c.15C>T, p.Cys5= (NM_001350626.2); c.-363C>T (NM_001350627.2).
Identifiers: ClinVar variation 738479 (VCV000738479.20), dbSNP rs1485274454, ClinGen allele CA453457672.